The following is an entry in ClinVar:

ClinVar aggregate classification (germline): Pathogenic (1 of 4 stars; one submission).

Conditions:
Mucopolysaccharidosis type 1. Also called: Mucopolysaccharidosis Type I; IDUA deficiency; MPS I. Identifiers: Orphanet 579, MedGen C0023786, MONDO:0001586.

Submission:

Labcorp Genetics (formerly Invitae), Labcorp
Classification: Pathogenic for Mucopolysaccharidosis type 1. Last evaluated: 2022-06-18. Review status: criteria provided, single submitter. Criteria: Invitae Variant Classification Sherloc (09022015). Collection method: clinical testing. Allele origin: germline.
Comment: For these reasons, this variant has been classified as Pathogenic. Algorithms developed to predict the effect of sequence changes on RNA splicing suggest that this variant may disrupt the consensus splice site. This sequence change affects an acceptor splice site in intron 9 of the IDUA gene. It is expected to disrupt RNA splicing. Variants that disrupt the donor or acceptor splice site typically lead to a loss of protein function (PMID: 16199547), and loss-of-function variants in IDUA are known to be pathogenic (PMID: 11735025, 21480867). This variant is not present in population databases (gnomAD no frequency). Disruption of this splice site has been observed in individuals with mucopolysaccharidosis (PMID: 22976768, 31194252).

Literature cited by the submitters: PubMed 16199547; PubMed 11735025; PubMed 21480867; PubMed 22976768; PubMed 31194252.

NM_000203.5(IDUA):c.1403-1G>A

Gene: IDUA (alpha-L-iduronidase; plus strand). Cytogenetic location: 4p16.3.
Variant type: single nucleotide variant.
Coding change: c.1403-1G>A on transcript NM_000203.5 (MANE Select); the canonical splice acceptor site of the intron before coding-DNA position 1403, G replaced by A.
Molecular consequence: splice acceptor variant.
Genome position (GRCh38, 1-based): chr4:1,003,035, G>A. VCF-style: chr4-1003035-G-A. GRCh37 (hg19) VCF-style: chr4-996823-G-A.
Other names: c.1007-1G>A (NM_001363576.1).
Identifiers: ClinVar variation 2056009 (VCV002056009.4), dbSNP rs4690223, ClinGen allele CA91170257.